The following is an entry in ClinVar:

NM_001164665.2(KIAA1549):c.3793C>G (p.Leu1265Val)

Gene: KIAA1549 (KIAA1549; minus strand). Cytogenetic location: 7q34.
Variant type: single nucleotide variant.
Coding change: c.3793C>G on transcript NM_001164665.2 (MANE Select); coding-DNA position 3793, C replaced by G.
Protein change: p.Leu1265Val; replaces leucine 1265 with valine.
Molecular consequence: missense variant.
Genome position (GRCh38, 1-based): chr7:138,899,009, G>C on the plus strand (C>G on the coding strand, the complement: KIAA1549 is on the minus strand). VCF-style: chr7-138899009-G-C. GRCh37 (hg19) VCF-style: chr7-138583755-G-C.
Other names: c.3793C>G, p.Leu1265Val (NM_020910.3); short protein forms L1265V.
Identifiers: ClinVar variation 1480112 (VCV001480112.8), dbSNP rs746975099, ClinGen allele CA4506110.

ClinVar aggregate classification (germline): Uncertain significance (1 of 4 stars; one submission).

Allele frequency attached by ClinVar (database versions not stated): gnomAD exomes 0.00001; ExAC 0.00002.
gnomAD v4.1: 11 of 1,613,790 alleles (0.00068%); highest among the groups gnomAD compares: Non-Finnish European, 0.00093%; no homozygotes.

Submission:

Labcorp Genetics (formerly Invitae), Labcorp
Classification: Uncertain significance. Last evaluated: 2022-02-01. Review status: criteria provided, single submitter. Criteria: Invitae Variant Classification Sherloc (09022015). Collection method: clinical testing. Allele origin: germline.
Comment: This sequence change replaces leucine, which is neutral and non-polar, with valine, which is neutral and non-polar, at codon 1265 of the KIAA1549 protein (p.Leu1265Val). This variant is present in population databases (rs746975099, gnomAD 0.002%). This variant has not been reported in the literature in individuals affected with KIAA1549-related conditions. Algorithms developed to predict the effect of missense changes on protein structure and function output the following: SIFT: "Tolerated"; PolyPhen-2: "Benign"; Align-GVGD: "Class C0". The valine amino acid residue is found in multiple mammalian species, which suggests that this missense change does not adversely affect protein function. In summary, the available evidence is currently insufficient to determine the role of this variant in disease. Therefore, it has been classified as a Variant of Uncertain Significance.